The following is an entry in ClinVar:

NM_006019.4(TCIRG1):c.1020+7A>T

Gene: TCIRG1 (T cell immune regulator 1, ATPase H+ transporting V0 subunit a3; plus strand). Cytogenetic location: 11q13.2.
Variant type: single nucleotide variant.
Coding change: c.1020+7A>T on transcript NM_006019.4 (MANE Select); 7 bases into the intron after coding-DNA position 1020, A replaced by T.
Molecular consequence: intron variant.
Genome position (GRCh38, 1-based): chr11:68,044,351, A>T. VCF-style: chr11-68044351-A-T. GRCh37 (hg19) VCF-style: chr11-67811818-A-T.
Other names: c.126+7A>T (NM_001351059.2); c.372+7A>T (NM_006053.4).
Identifiers: ClinVar variation 3905812 (VCV003905812.10).

ClinVar aggregate classification (germline): Uncertain significance (1 of 4 stars; one submission).

Submission:

CeGaT Center for Human Genetics Tuebingen
Classification: Uncertain significance. Last evaluated: 2025-05-01. Review status: criteria provided, single submitter. Criteria: CeGaT Center For Human Genetics Tuebingen Variant Classification Criteria Version 2. Collection method: clinical testing. Allele origin: germline. Affected: yes. Observed: 1 variant allele.
Comment: TCIRG1: PM2, BP4